The following is an entry in ClinVar:

NM_021224.6(ZNF462):c.1490C>T (p.Ser497Leu)

Gene: ZNF462 (zinc finger protein 462; plus strand). Cytogenetic location: 9q31.2.
Variant type: single nucleotide variant.
Coding change: c.1490C>T on transcript NM_021224.6 (MANE Select); coding-DNA position 1490, C replaced by T.
Protein change: p.Ser497Leu; replaces serine 497 with leucine.
Molecular consequence: missense variant.
Genome position (GRCh38, 1-based): chr9:106,925,402, C>T. VCF-style: chr9-106925402-C-T. GRCh37 (hg19) VCF-style: chr9-109687683-C-T.
Other names: c.1490C>T, p.Ser497Leu (NM_001347997.2); short protein forms S497L.
Identifiers: ClinVar variation 3392821 (VCV003392821.2).

ClinVar aggregate classification (germline): Likely benign (1 of 4 stars; one submission).

Submission:

GeneDx
Classification: Likely benign. Last evaluated: 2025-04-23. Review status: criteria provided, single submitter. Criteria: GeneDx Variant Classification Process June 2021. Collection method: clinical testing. Allele origin: germline.
Comment: See Variant Classification Assertion Criteria.